The following is an entry in ClinVar:

NM_012470.4(TNPO3):c.2603T>C (p.Phe868Ser)

Gene: TNPO3 (transportin 3; minus strand). Cytogenetic location: 7q32.1.
Variant type: single nucleotide variant.
Coding change: c.2603T>C on transcript NM_012470.4 (MANE Select); coding-DNA position 2603, T replaced by C.
Protein change: p.Phe868Ser; replaces phenylalanine 868 with serine.
Molecular consequence: missense variant. On other transcripts: non-coding transcript variant (18).
Genome position (GRCh38, 1-based): chr7:128,967,388, A>G on the plus strand (T>C on the coding strand, the complement: TNPO3 is on the minus strand). VCF-style: chr7-128967388-A-G. GRCh37 (hg19) VCF-style: chr7-128607442-A-G.
Other names: c.2411T>C, p.Phe804Ser (NM_001191028.3, NM_001382223.1); c.2705T>C, p.Phe902Ser (NM_001382216.1); c.2684T>C, p.Phe895Ser (NM_001382217.1); c.2603T>C, p.Phe868Ser (NM_001382218.1); c.2495T>C, p.Phe832Ser (NM_001382219.1); c.2462T>C, p.Phe821Ser (NM_001382220.1); c.2459T>C, p.Phe820Ser (NM_001382221.1); c.2456T>C, p.Phe819Ser (NM_001382222.1); short protein forms F804S, F819S, F820S, F821S, F832S, F868S, F895S, F902S.
Identifiers: ClinVar variation 1314909 (VCV001314909.4), dbSNP rs1798023288, ClinGen allele CA369250172.

ClinVar aggregate classification (germline): Uncertain significance. Review status: criteria provided, multiple submitters, no conflicts (2 of 4 stars). 2 submissions from 2 submitters: Uncertain significance (2). Last evaluated 2023-05-03.

Conditions:
Inborn genetic diseases. Identifiers: MedGen C0950123, MeSH D030342.

Submissions (2):

Ambry Genetics
Classification: Uncertain significance for Inborn genetic diseases. Last evaluated: 2023-05-03. Review status: criteria provided, single submitter. Criteria: Ambry Variant Classification Scheme 2023. Collection method: clinical testing. Allele origin: germline.

GeneDx
Classification: Uncertain significance. Last evaluated: 2021-04-28. Review status: criteria provided, single submitter. Criteria: GeneDx Variant Classification Process June 2021. Collection method: clinical testing. Allele origin: germline. Affected: yes.
Comment: Not observed in large population cohorts (Lek et al., 2016); In silico analysis supports that this missense variant has a deleterious effect on protein structure/function; Has not been previously published as pathogenic or benign to our knowledge